The following is an entry in ClinVar:

ClinVar aggregate classification (germline): Uncertain significance. Review status: criteria provided, multiple submitters, no conflicts (2 of 4 stars). 2 submissions from 2 submitters: Uncertain significance (2). Last evaluated 2023-05-02.

Conditions:
Hereditary cancer-predisposing syndrome. Also called: Neoplastic Syndromes, Hereditary; Hereditary Cancer Syndrome; Hereditary neoplastic syndrome; Tumor predisposition. Identifiers: Orphanet 140162, MedGen C0027672, MeSH D009386, MONDO:0015356.

gnomAD v4.1: 1 of 1,594,362 alleles (0.000063%); highest among the groups gnomAD compares: South Asian, 0.0011%; no homozygotes.

Submissions (2):

Ambry Genetics
Classification: Uncertain significance for Hereditary cancer-predisposing syndrome. Last evaluated: 2023-05-02. Review status: criteria provided, single submitter. Criteria: Ambry Variant Classification Scheme 2023. Collection method: clinical testing. Allele origin: germline.
Comment: The p.V1339D variant (also known as c.4016T>A), located in coding exon 33 of the TSC2 gene, results from a T to A substitution at nucleotide position 4016. The valine at codon 1339 is replaced by aspartic acid, an amino acid with highly dissimilar properties. This amino acid position is poorly conserved in available vertebrate species. In addition, the in silico prediction for this alteration is inconclusive. Since supporting evidence is limited at this time, the clinical significance of this alteration remains unclear.

Athena Diagnostics
Classification: Uncertain significance. Last evaluated: 2023-05-01. Review status: criteria provided, single submitter. Criteria: Athena Diagnostics Criteria. Collection method: clinical testing. Allele origin: unknown.
Comment: Available data are insufficient to determine the clinical significance of the variant at this time. This variant has not been reported in large, multi-ethnic general populations. Computational tools predict that this variant is not damaging.

NM_000548.5(TSC2):c.4016T>A (p.Val1339Asp)

Gene: TSC2 (TSC complex subunit 2; plus strand). Cytogenetic location: 16p13.3.
Variant type: single nucleotide variant.
Coding change: c.4016T>A on transcript NM_000548.5 (MANE Select); coding-DNA position 4016, T replaced by A.
Protein change: p.Val1339Asp; replaces valine 1339 with aspartic acid.
Molecular consequence: missense variant. On other transcripts: non-coding transcript variant (5).
Genome position (GRCh38, 1-based): chr16:2,084,238, T>A. VCF-style: chr16-2084238-T-A. GRCh37 (hg19) VCF-style: chr16-2134239-T-A.
Other names: c.3815T>A, p.Val1272Asp (NM_001077183.3); c.3947T>A, p.Val1316Asp (NM_001114382.3); c.3707T>A, p.Val1236Asp (NM_001318827.2); c.3671T>A, p.Val1224Asp (NM_001318829.2); c.3284T>A, p.Val1095Asp (NM_001318831.2); c.3848T>A, p.Val1283Asp (NM_001318832.2); c.3818T>A, p.Val1273Asp (NM_001363528.2); c.3884T>A, p.Val1295Asp (NM_001370404.1); and 26 more; short protein forms V1072D, V1119D, V1139D, V1224D, V1266D, V1267D, V1272D, V1273D.
Identifiers: ClinVar variation 2564641 (VCV002564641.3), dbSNP rs2544254233, ClinGen allele CA394299164.